The following is an entry in ClinVar:

ClinVar aggregate classification (germline): Uncertain significance. Review status: criteria provided, multiple submitters, no conflicts (2 of 4 stars). 4 submissions from 4 submitters: Uncertain significance (4). Last evaluated 2026-02-23.

Conditions:
Stromme syndrome (STROMS). Also called: Ciliary dyskinesia, primary, 31; APPLE PEEL SYNDROME WITH MICROCEPHALY AND OCULAR ANOMALIES; Strømme Syndrome. Identifiers: Orphanet 444069, Orphanet 506307, MedGen C1855705, MONDO:0009477, OMIM 243605.

Allele frequency attached by ClinVar (database versions not stated): TOPMed 0.00003; gnomAD exomes 0.00006; 1000 Genomes Project 30x 0.00016; 1000 Genomes Project 0.00020; ExAC 0.00007; gnomAD 0.00004.
gnomAD v4.1: 95 of 1,614,100 alleles (0.0059%); highest among the groups gnomAD compares: Non-Finnish European, 0.0076%; 1 homozygote.

Submissions (4):

GeneDx
Classification: Uncertain significance. Last evaluated: 2026-02-23. Review status: criteria provided, single submitter. Criteria: GeneDx Variant Classification Process June 2021. Collection method: clinical testing. Allele origin: germline.
Comment: Not observed at significant frequency in large population cohorts (gnomAD); In silico analysis suggests that this missense variant does not alter protein structure/function; Has not been previously published as pathogenic or benign to our knowledge

Labcorp Genetics (formerly Invitae), Labcorp
Classification: Uncertain significance. Last evaluated: 2022-06-01. Review status: criteria provided, single submitter. Criteria: Invitae Variant Classification Sherloc (09022015). Collection method: clinical testing. Allele origin: germline.
Comment: This sequence change replaces glutamic acid, which is acidic and polar, with glutamine, which is neutral and polar, at codon 2940 of the CENPF protein (p.Glu2940Gln). This variant is present in population databases (rs535739714, gnomAD 0.01%). This variant has not been reported in the literature in individuals affected with CENPF-related conditions. ClinVar contains an entry for this variant (Variation ID: 931208). Algorithms developed to predict the effect of missense changes on protein structure and function are either unavailable or do not agree on the potential impact of this missense change (SIFT: "Deleterious"; PolyPhen-2: "Possibly Damaging"; Align-GVGD: "Class C0"). In summary, the available evidence is currently insufficient to determine the role of this variant in disease. Therefore, it has been classified as a Variant of Uncertain Significance.

Fulgent Genetics
Classification: Uncertain significance for Stromme syndrome. Last evaluated: 2021-08-02. Review status: criteria provided, single submitter. Criteria: ACMG Guidelines, 2015. Collection method: clinical testing. Allele origin: unknown.

Centre for Mendelian Genomics, University Medical Centre Ljubljana
Classification: Uncertain significance for Stromme syndrome. Last evaluated: 2019-04-24. Review status: criteria provided, single submitter. Criteria: ACMG Guidelines, 2015. Collection method: clinical testing. Allele origin: unknown. Affected: yes.
Comment: This variant was classified as: Uncertain significance. The available evidence favors the benign nature of this variant, however the evidence is insufficent to prove its benign nature. The following ACMG criteria were applied in classifying this variant: PM2,BP1.

NM_016343.4(CENPF):c.8818G>C (p.Glu2940Gln)

Gene: CENPF (centromere protein F; plus strand). Cytogenetic location: 1q41.
Variant type: single nucleotide variant.
Coding change: c.8818G>C on transcript NM_016343.4 (MANE Select); coding-DNA position 8818, G replaced by C.
Protein change: p.Glu2940Gln; replaces glutamic acid 2940 with glutamine.
Molecular consequence: missense variant.
Genome position (GRCh38, 1-based): chr1:214,657,265, G>C. VCF-style: chr1-214657265-G-C. GRCh37 (hg19) VCF-style: chr1-214830608-G-C.
Other names: short protein forms E2940Q.
Identifiers: ClinVar variation 931208 (VCV000931208.7), dbSNP rs535739714, ClinGen allele CA1391501.